The following is an entry in ClinVar:

NM_015972.4(POLR1D):c.308T>C (p.Leu103Pro)

Genes: POLR1D (RNA polymerase I and III subunit D; plus strand), LOC147380392 (uncharacterized LOC147380392; plus strand). Cytogenetic location: 13q12.2.
Variant type: single nucleotide variant.
Coding change: c.308T>C on transcript NM_015972.4 (MANE Select); coding-DNA position 308, T replaced by C.
Protein change: p.Leu103Pro; replaces leucine 103 with proline.
Molecular consequence: missense variant. On other transcripts: intron variant (2).
Genome position (GRCh38, 1-based): chr13:27,623,156, T>C. VCF-style: chr13-27623156-T-C. GRCh37 (hg19) VCF-style: chr13-28197293-T-C.
Other names: c.308T>C, p.Leu103Pro (NM_001374407.1); c.-59+2016T>C (NM_001206559.2); c.26+1147T>C (NM_152705.3); short protein forms L103P.
Identifiers: ClinVar variation 1191207 (VCV001191207.2), dbSNP rs2138519158, ClinGen allele CA387635867.
Genomic context (GRCh38, chr13:27,623,156, plus strand): 5'-GCATTCAGACTCGAGGTACCCTTCCAGCTGTTGAGCCATTTCAGAGAGGCCTGAATGAGC[T>C]CATGAATGTCTGCCAACATGTGCTTGACAAGTTTGAGGCCAGCATAAAGGACTATAAGGA-3'
Protein context (NP_057056.1, residues 93-113): VEPFQRGLNE[Leu103Pro]MNVCQHVLDK

ClinVar aggregate classification (germline): Uncertain significance (1 of 4 stars; one submission).

Submission:

GeneDx
Classification: Uncertain significance. Last evaluated: 2020-04-30. Review status: criteria provided, single submitter. Criteria: GeneDx Variant Classification Process June 2021. Collection method: clinical testing. Allele origin: germline. Affected: yes.
Comment: Not observed in large population cohorts (Lek et al., 2016); In silico analysis, which includes protein predictors and evolutionary conservation, supports a deleterious effect; Has not been previously published as pathogenic or benign to our knowledge